The following is an entry in ClinVar:

NM_133372.3(FNIP1):c.2550_2551insTT (p.Asp851fs)

Gene: FNIP1 (folliculin interacting protein 1; minus strand). Cytogenetic location: 5q31.1.
Variant type: Insertion.
Coding change: c.2550_2551insTT on transcript NM_133372.3 (MANE Select); coding-DNA positions 2550 to 2551, TT inserted.
Protein change: p.Asp851fs; shifts the reading frame from aspartic acid 851.
Molecular consequence: frameshift variant.
Genome position: GRCh38 VCF-style: chr5-131671893-C-CAA. GRCh37 (hg19) VCF-style: chr5-131007586-C-CAA.
Other names: c.2466_2467insTT, p.Asp823fs (NM_001008738.3); c.2415_2416insTT, p.Asp806fs (NM_001346114.2); short protein forms D823fs, D806fs, D851fs.
Identifiers: ClinVar variation 4712358 (VCV004712358.1).

ClinVar aggregate classification (germline): Pathogenic (1 of 4 stars; one submission).

Submission:

Labcorp Genetics (formerly Invitae), Labcorp
Classification: Pathogenic. Last evaluated: 2025-02-04. Review status: criteria provided, single submitter. Criteria: Invitae Variant Classification Sherloc (09022015). Collection method: clinical testing. Allele origin: germline.
Comment: This sequence change creates a premature translational stop signal (p.Asp851Leufs*18) in the FNIP1 gene. It is expected to result in an absent or disrupted protein product. Loss-of-function variants in FNIP1 are known to be pathogenic (PMID: 32181500, 32905580). This variant is not present in population databases (gnomAD no frequency). This variant has not been reported in the literature in individuals affected with FNIP1-related conditions. For these reasons, this variant has been classified as Pathogenic.

Literature cited by the submitters: PubMed 32181500; PubMed 32905580.